The following is an entry in ClinVar:

ClinVar aggregate classification (germline): Uncertain significance. Review status: criteria provided, multiple submitters, no conflicts (2 of 4 stars). 2 submissions from 2 submitters: Uncertain significance (2). Last evaluated 2025-09-25.

Conditions:
Inborn genetic diseases. Identifiers: MedGen C0950123, MeSH D030342.

Allele frequency attached by ClinVar (database versions not stated): gnomAD exomes 0.00007 and 0.00013; ExAC 0.00008; ESP Exome Variant Server 0.00008; gnomAD 0.00009; TOPMed 0.00006.
gnomAD v4.1: 199 of 1,613,334 alleles (0.012%); highest among the groups gnomAD compares: Non-Finnish European, 0.016%; no homozygotes.

Submissions (2):

Ambry Genetics
Classification: Uncertain significance for Inborn genetic diseases. Last evaluated: 2025-09-25. Review status: criteria provided, single submitter. Criteria: Ambry Variant Classification Scheme 2023. Collection method: clinical testing. Allele origin: germline.

Labcorp Genetics (formerly Invitae), Labcorp
Classification: Uncertain significance. Last evaluated: 2025-09-23. Review status: criteria provided, single submitter. Criteria: Invitae Variant Classification Sherloc (09022015). Collection method: clinical testing. Allele origin: germline.
Comment: This sequence change replaces leucine, which is neutral and non-polar, with isoleucine, which is neutral and non-polar, at codon 1656 of the PCLO protein (p.Leu1656Ile). This variant is present in population databases (rs377046840, gnomAD 0.02%). This variant has not been reported in the literature in individuals affected with PCLO-related conditions. ClinVar contains an entry for this variant (Variation ID: 1485365). Experimental studies and prediction algorithms are not available or were not evaluated, and the functional significance of this variant is currently unknown. In summary, the available evidence is currently insufficient to determine the role of this variant in disease. Therefore, it has been classified as a Variant of Uncertain Significance.

NM_033026.6(PCLO):c.4966C>A (p.Leu1656Ile)

Gene: PCLO (piccolo presynaptic cytomatrix protein; minus strand). Cytogenetic location: 7q21.11.
Variant type: single nucleotide variant.
Coding change: c.4966C>A on transcript NM_033026.6 (MANE Select); coding-DNA position 4966, C replaced by A.
Protein change: p.Leu1656Ile; replaces leucine 1656 with isoleucine.
Molecular consequence: missense variant.
Genome position (GRCh38, 1-based): chr7:82,955,987, G>T on the plus strand (C>A on the coding strand, the complement: PCLO is on the minus strand). VCF-style: chr7-82955987-G-T. GRCh37 (hg19) VCF-style: chr7-82585303-G-T.
Other names: c.4966C>A (NM_033026.5); c.4966C>A, p.Leu1656Ile (NM_014510.3); short protein forms L1656I.
Identifiers: ClinVar variation 1485365 (VCV001485365.9), dbSNP rs377046840, ClinGen allele CA4320732.
Genomic context (GRCh38, chr7:82,955,987, plus strand): 5'-TTGTACTGTTGAGCTCAATTGTTTTAAATCGGCGTAGCCCTCCTCCTCCAGTAACTACAA[G>T]TTCTTCACTTTCCTGACTTTTAGTTTCTCTGTATTTAAGTTCAGGACTTTCATCAAATGC-3'
Protein context (NP_149015.2, residues 1646-1666): RETKSQESEE[Leu1656Ile]VVTGGGGLRR